The following is an entry in ClinVar:

NM_020207.7(ERCC6L2):c.274C>T (p.Pro92Ser)

Gene: ERCC6L2 (ERCC excision repair 6 like 2; plus strand). Cytogenetic location: 9q22.32.
Variant type: single nucleotide variant.
Coding change: c.274C>T on transcript NM_020207.7 (MANE Select); coding-DNA position 274, C replaced by T.
Protein change: p.Pro92Ser; replaces proline 92 with serine.
Molecular consequence: missense variant. On other transcripts: non-coding transcript variant (1).
Genome position (GRCh38, 1-based): chr9:95,881,096, C>T. VCF-style: chr9-95881096-C-T. GRCh37 (hg19) VCF-style: chr9-98643378-C-T.
Other names: c.274C>T, p.Pro92Ser (NM_001010895.4, NM_001375291.1, NM_001375292.1 and 2 more transcripts); short protein forms P92S.
Identifiers: ClinVar variation 1714748 (VCV001714748.6), dbSNP rs2490185030, ClinGen allele CA374117431.

ClinVar aggregate classification (germline): Uncertain significance. Review status: criteria provided, multiple submitters, no conflicts (2 of 4 stars). 2 submissions from 2 submitters: Uncertain significance (2). Last evaluated 2024-11-23.

Conditions:
Inborn genetic diseases. Identifiers: MedGen C0950123, MeSH D030342.

Submissions (2):

Ambry Genetics
Classification: Uncertain significance for Inborn genetic diseases. Last evaluated: 2024-11-23. Review status: criteria provided, single submitter. Criteria: Ambry Variant Classification Scheme 2023. Collection method: clinical testing. Allele origin: germline.
Comment: The p.P92S variant (also known as c.274C>T), located in coding exon 2 of the ERCC6L2 gene, results from a C to T substitution at nucleotide position 274. The proline at codon 92 is replaced by serine, an amino acid with similar properties. This amino acid position is conserved. In addition, the in silico prediction for this alteration is inconclusive. Based on the available evidence, the clinical significance of this variant remains unclear.

Labcorp Genetics (formerly Invitae), Labcorp
Classification: Uncertain significance. Last evaluated: 2022-07-15. Review status: criteria provided, single submitter. Criteria: Invitae Variant Classification Sherloc (09022015). Collection method: clinical testing. Allele origin: germline.
Comment: In summary, the available evidence is currently insufficient to determine the role of this variant in disease. Therefore, it has been classified as a Variant of Uncertain Significance. Algorithms developed to predict the effect of missense changes on protein structure and function are either unavailable or do not agree on the potential impact of this missense change (SIFT: "Tolerated"; PolyPhen-2: "Not Available"; Align-GVGD: "Class C0"). This variant has not been reported in the literature in individuals affected with ERCC6L2-related conditions. This variant is not present in population databases (gnomAD no frequency). This sequence change replaces proline, which is neutral and non-polar, with serine, which is neutral and polar, at codon 103 of the ERCC6L2 protein (p.Pro103Ser).